The following is an entry in ClinVar:

NM_000059.4(BRCA2):c.6028G>A (p.Val2010Ile)

Gene: BRCA2 (BRCA2 DNA repair associated; plus strand). Cytogenetic location: 13q13.1.
Variant type: single nucleotide variant.
Coding change: c.6028G>A on transcript NM_000059.4 (MANE Select); coding-DNA position 6028, G replaced by A.
Protein change: p.Val2010Ile; replaces valine 2010 with isoleucine.
Molecular consequence: missense variant.
Genome position (GRCh38, 1-based): chr13:32,340,383, G>A. VCF-style: chr13-32340383-G-A. GRCh37 (hg19) VCF-style: chr13-32914520-G-A.
Other names: short protein forms V2010I.
Identifiers: ClinVar variation 481506 (VCV000481506.7), dbSNP rs1555284504, ClinGen allele CA387787775.

ClinVar aggregate classification (germline): Conflicting classifications of pathogenicity. Review status: criteria provided, conflicting classifications (1 of 4 stars). 2 submissions from 2 submitters: Uncertain significance (1); Likely benign (1). Last evaluated 2023-03-23.

Conditions:
Hereditary cancer-predisposing syndrome. Also called: Neoplastic Syndromes, Hereditary; Tumor predisposition; Hereditary Cancer Syndrome; Hereditary neoplastic syndrome. Identifiers: Orphanet 140162, MedGen C0027672, MeSH D009386, MONDO:0015356.

Submissions (2):

University of Washington Department of Laboratory Medicine, University of Washington
Classification: Likely benign for Hereditary cancer-predisposing syndrome. Last evaluated: 2023-03-23. Review status: criteria provided, single submitter. Criteria: Dines et al. (Genet Med. 2020). Collection method: curation. Allele origin: germline.
Comment: Missense variant in a coldspot region where missense variants are very unlikely to be pathogenic (PMID:31911673).

BRCA2 exon 11 coldspot. Reclassification based on statistical prior probability.

Ambry Genetics
Classification: Uncertain significance for Hereditary cancer-predisposing syndrome. Last evaluated: 2015-10-30. Review status: criteria provided, single submitter. Criteria: Ambry Variant Classification Scheme 2023. Collection method: clinical testing. Allele origin: germline.
Comment: The p.V2010I variant (also known as c.6028G>A), located in coding exon 10 of the BRCA2 gene, results from a G to A substitution at nucleotide position 6028. The valine at codon 2010 is replaced by isoleucine, an amino acid with highly similar properties. This variant was not reported in population based cohorts in the following databases: Database of Single Nucleotide Polymorphisms (dbSNP), NHLBI Exome Sequencing Project (ESP), and 1000 Genomes Project. In the ESP, this variant was not observed in 6501 samples (13002 alleles) with coverage at this position. To date, this alteration has been detected with an allele frequency of approximately 0.0004% (greater than 225000 alleles tested) in our clinical cohort. This amino acid position is poorly conserved in available vertebrate species. In addition, this alteration is predicted to be tolerated by in silico analysis. Since supporting evidence is limited at this time, the clinical significance of p.V2010I remains unclear.